The following is an entry in ClinVar:

NM_001918.5(DBT):c.75_76del (p.Cys26fs)

Gene: DBT (dihydrolipoamide branched chain transacylase E2; minus strand). Cytogenetic location: 1p21.2.
Variant type: Deletion.
Coding change: c.75_76del on transcript NM_001918.5 (MANE Select); coding-DNA positions 75 to 76, 2 bases deleted (AT; older notation c.75_76delAT).
Protein change: p.Cys26fs; shifts the reading frame from cysteine 26.
Molecular consequence: frameshift variant.
Genome position (GRCh38, 1-based): chr1:100,240,860-100,240,861, AT deleted on the plus strand (AT on the coding strand, the reverse complement: DBT is on the minus strand). VCF-style (leftmost placement, unchanged base first): chr1-100240859-CAT-C. GRCh37 (hg19) VCF-style: chr1-100706415-CAT-C.
Other names: c.75_76delAT (NM_001918.5); short protein forms C26fs.
Identifiers: ClinVar variation 11950 (VCV000011950.40), dbSNP rs768832921, ClinGen allele CA212934.
Genomic context (GRCh38, chr1:100,240,859, plus strand): 5'-TTGAATGAAGGATAACCAAAGAAACACACATAATTTGGCTTCAAAACATGAACATTACCA[CAT>C]GTTTGAAAATAGCGAACACAAATCTACAGATGAGAAAACAAAAAGTAAAAGCATTTATAA-3'

ClinVar aggregate classification (germline): Pathogenic. Review status: criteria provided, multiple submitters, no conflicts (2 of 4 stars). 15 submissions from 15 submitters: Pathogenic (14). 1 of the submissions does not count toward it. Last evaluated 2026-07-18.

Conditions:
DBT-related disorder. Also called: DBT-related condition.
Maple syrup urine disease type 2 (MSUD2). Also called: Maple syrup urine disease, type II. Identifiers: MedGen C1855371, MONDO:0023693, OMIM 620699.
Maple syrup urine disease type 1A (MSUD1A). Also called: MSUD type 1A. Identifiers: MedGen C1855369, MONDO:0023691, OMIM 248600.
Maple syrup urine disease (MSUD). Identifiers: Orphanet 511, MedGen C0024776, MeSH D008375, MONDO:0009563. Disease mechanism: loss of function.

Allele frequency attached by ClinVar (database versions not stated): gnomAD exomes 0.00005 and 0.00007; gnomAD 0.00004; TOPMed 0.00005; ExAC 0.00007.

Submissions (15):

GeneDx
Classification: Pathogenic. Last evaluated: 2026-07-18. Review status: criteria provided, single submitter. Criteria: GeneDx Variant Classification Process June 2021. Collection method: clinical testing. Allele origin: germline.
Comment: Observed in homozygous state or with a second DBT variant in several unrelated patients with features of MSUD referred for genetic testing at GeneDx and in published literature (PMID: 39519275, 8430702, 24394677); Frameshift variant predicted to result in protein truncation or nonsense mediated decay in a gene for which loss of function is a known mechanism of disease; This variant is associated with the following publications: (PMID: 32193832, 34671977, 32151765, 31980395, 31980526, 31589614, 32712949, 16468966, 34556729, 20639189, 16786533, 14517957, 28417071, 24394677, 39519275, 8430702)

Labcorp Genetics (formerly Invitae), Labcorp
Classification: Pathogenic for Maple syrup urine disease. Last evaluated: 2026-01-28. Review status: criteria provided, single submitter. Criteria: Invitae Variant Classification Sherloc (09022015). Collection method: clinical testing. Allele origin: germline.
Comment: This sequence change creates a premature translational stop signal (p.Cys26Trpfs*2) in the DBT gene. It is expected to result in an absent or disrupted protein product. Loss-of-function variants in DBT are known to be pathogenic (PMID: 16579849, 16786533). This variant is present in population databases (rs768832921, gnomAD 0.03%). This premature translational stop signal has been observed in individuals with maple syrup urine disease (PMID: 8430702, 14517957, 16468966, 20639189, 28417071). ClinVar contains an entry for this variant (Variation ID: 11950). For these reasons, this variant has been classified as Pathogenic.

Variantyx, Inc.
Classification: Pathogenic for Maple syrup urine disease type 1A. Last evaluated: 2025-10-03. Review status: criteria provided, single submitter. Criteria: Variantyx Assertion Criteria 2022. Collection method: clinical testing. Allele origin: germline. Inheritance: Autosomal recessive inheritance. Affected: no.
Comment: This is a frameshift variant in the DBT gene (OMIM: 248610). Pathogenic variants in this gene have been associated with autosomal recessive maple syrup urine disease type II. The alteration introduces a premature termination codon in exon 2 out of 11 and is expected to result in loss of function, which is a known disease mechanism for DBT in this disorder (PMID: 8430702) (PVS1). This variant has been identified in the homozygous or compound heterozygous state in at least 6 individuals reported in the published literature (PMID: 8430702, 32193832, 32712949). It has a 0.0067% maximum allele frequency in non-founder control populations (PM2). Based on the current evidence, this variant is classified as pathogenic for autosomal recessive maple syrup urine disease type II.

Women's Health and Genetics/Laboratory Corporation of America, LabCorp
Classification: Pathogenic for Maple syrup urine disease. Last evaluated: 2024-10-17. Review status: criteria provided, single submitter. Criteria: LabCorp Variant Classification Summary - May 2015. Collection method: clinical testing. Allele origin: germline.
Comment: Variant summary: DBT c.75_76delAT (p.Cys26TrpfsX2) results in a premature termination codon, predicted to cause a truncation of the encoded protein or absence of the protein due to nonsense mediated decay, which are commonly known mechanisms for disease. The variant allele was found at a frequency of 6.8e-05 in 251058 control chromosomes. This frequency is not significantly higher than estimated for a pathogenic variant in DBT causing Maple Syrup Urine Disease (6.8e-05 vs 0.0012), allowing no conclusion about variant significance. c.75_76delAT has been reported in the literature in individuals affected with Maple Syrup Urine Disease (example: Pode-Shakked_2020). These data indicate that the variant is likely to be associated with disease. The following publication has been ascertained in the context of this evaluation (PMID: 32151765). ClinVar contains an entry for this variant (Variation ID: 11950). Based on the evidence outlined above, the variant was classified as pathogenic.

Revvity Omics, Revvity
Classification: Pathogenic for Maple syrup urine disease type 1A. Last evaluated: 2024-10-10. Review status: criteria provided, single submitter. Criteria: ACMG Guidelines, 2015. Collection method: clinical testing. Allele origin: germline.

Department of Genetics, Sultan Qaboos University Hospital
Classification: Pathogenic for Maple syrup urine disease type 1A. Last evaluated: 2024-06-12. Review status: criteria provided, single submitter. Criteria: ACMG Guidelines, 2015. Collection method: clinical testing. Allele origin: unknown. Affected: yes.

Blueprint Genetics
Classification: Pathogenic for DBT-related disorders. Last evaluated: 2024-05-14. Review status: criteria provided, single submitter. Criteria: ACMG Guidelines, 2015. Collection method: clinical testing. Allele origin: germline. Affected: yes. Observed: 4 variant alleles.

Fulgent Genetics
Classification: Pathogenic for Maple syrup urine disease type 2. Last evaluated: 2024-03-12. Review status: criteria provided, single submitter. Criteria: ACMG Guidelines, 2015. Collection method: clinical testing. Allele origin: germline.

3billion
Classification: Pathogenic for Maple syrup urine disease type 1A. Last evaluated: 2023-09-04. Review status: criteria provided, single submitter. Criteria: ACMG Guidelines, 2015. Collection method: clinical testing. Allele origin: germline. Affected: yes.
Comment: The variant is observed at an extremely low frequency in the gnomAD v2.1.1 dataset (total allele frequency: 0.006%). Predicted Consequence/Location: Frameshift: predicted to result in a loss or disruption of normal protein function through nonsense-mediated decay (NMD) or protein truncation. Multiple pathogenic variants are reported downstream of the variant. The variant has been reported at least twice as pathogenic with clinical assertions and evidence for the classification (ClinVar ID: VCV000011950 /PMID: 8430702). Therefore, this variant is classified as Pathogenic according to the recommendation of ACMG/AMP guideline.

Genome-Nilou Lab
Classification: Pathogenic for Maple syrup urine disease type 1A. Last evaluated: 2021-11-07. Review status: criteria provided, single submitter. Criteria: ACMG Guidelines, 2015. Collection method: clinical testing. Allele origin: germline. Affected: no.

Myriad Genetics, Inc.
Classification: Pathogenic for Maple syrup urine disease type 1A. Last evaluated: 2019-12-24. Review status: criteria provided, single submitter. Criteria: Myriad Women's Health Autosomal Recessive and X-Linked Classification Criteria (2019). Collection method: clinical testing. Allele origin: unknown.
Comment: NM_001918.3(DBT):c.75_76delAT(C26Wfs*2) is classified as pathogenic in the context of maple syrup urine disease type II. Sources cited for classification include the following: PMID 8430702. Classification of NM_001918.3(DBT):c.75_76delAT(C26Wfs*2) is based on the following criteria: The variant causes a premature termination codon that is expected to be targeted by nonsense-mediated mRNA decay and is reported in individuals with the relevant phenotype. Please note: this variant was assessed in the context of healthy population screening.

Knight Diagnostic Laboratories, Oregon Health and Sciences University
Classification: Pathogenic for Maple syrup urine disease, type II. Last evaluated: 2019-03-18. Review status: criteria provided, single submitter. Criteria: ACMG Guidelines, 2015. Collection method: clinical testing. Allele origin: germline. Observed: 1 variant allele.

Genomic Research Center, Shahid Beheshti University of Medical Sciences
Classification: Pathogenic for Maple syrup urine disease. Last evaluated: 2017-12-18. Review status: criteria provided, single submitter. Criteria: ACMG Guidelines, 2015. Collection method: clinical testing. Allele origin: inherited. Affected: yes.

Genetic Services Laboratory, University of Chicago
Classification: Pathogenic for Maple syrup urine disease, type II. Last evaluated: 2015-02-23. Review status: criteria provided, single submitter. Criteria: ACMG Guidelines, 2015. Collection method: clinical testing. Allele origin: germline. Affected: yes.

OMIM
Classification: Pathogenic for MAPLE SYRUP URINE DISEASE, TYPE II. Last evaluated: 1993-02-01. Review status: no assertion criteria provided. Collection method: literature only. Allele origin: germline. Not counted in ClinVar's aggregate classification.

Literature cited by the submitters: PubMed 16579849 (cited by Labcorp Genetics (formerly Invitae), Labcorp); PubMed 16786533 (cited by Labcorp Genetics (formerly Invitae), Labcorp); PubMed 8430702 (cited by 5 submitters); PubMed 14517957 (cited by Labcorp Genetics (formerly Invitae), Labcorp); PubMed 16468966 (cited by Labcorp Genetics (formerly Invitae), Labcorp); PubMed 20639189 (cited by Labcorp Genetics (formerly Invitae), Labcorp); PubMed 28417071 (cited by Labcorp Genetics (formerly Invitae), Labcorp); PubMed 32193832 (cited by Variantyx, Inc.); PubMed 32712949 (cited by Variantyx, Inc.); PubMed 32151765 (cited by Women's Health and Genetics/Laboratory Corporation of America, LabCorp).